The following is an entry in ClinVar:

NM_000152.5(GAA):c.1636+118G>T

Gene: GAA (alpha glucosidase; plus strand). Cytogenetic location: 17q25.3.
Variant type: single nucleotide variant.
Coding change: c.1636+118G>T on transcript NM_000152.5 (MANE Select); 118 bases into the intron after coding-DNA position 1636, G replaced by T.
Molecular consequence: intron variant.
Genome position (GRCh38, 1-based): chr17:80,111,143, G>T. VCF-style: chr17-80111143-G-T. GRCh37 (hg19) VCF-style: chr17-78084942-G-T.
Other names: c.1636+118G>T (NM_001079803.3, NM_001079804.3).
Identifiers: ClinVar variation 1250135 (VCV001250135.4), dbSNP rs4889817, ClinGen allele CA14456723.
Genomic context (GRCh38, chr17:80,111,143, plus strand): 5'-GGCCTGGGAGACTTAGCACCCTCATCTCTGAGAAGCAGATGGGCCAGCGGGGAAAGGGGC[G>T]GGGGGGGGATCCCCAGGAGAAAGGCTCAGGCTGGGAGACTCAGCCAAGCAGTGCAGACAG-3'

ClinVar aggregate classification (germline): Benign. Review status: criteria provided, multiple submitters, no conflicts (2 of 4 stars). 3 submissions from 3 submitters: Benign (3). Last evaluated 2026-07-01.

Conditions:
Glycogen storage disease, type II (IOPD). Also called: CARDIOMEGALIA GLYCOGENICA DIFFUSA; GLYCOGENOSIS, GENERALIZED, CARDIAC FORM; GSD II; Glycogen storage disease type 2; Acid maltase deficiency disease; Aglucosidase alfa. Identifiers: Orphanet 365, MedGen C0017921, MONDO:0009290, OMIM 232300.

Allele frequency attached by ClinVar (database versions not stated): 1000 Genomes Project 0.52336.

Submissions (3):

Genomenon, Inc
Classification: Benign for Glycogen storage disease, type II. Last evaluated: 2026-07-01. Review status: criteria provided, single submitter. Criteria: Genomenon Sequence Variant Interpretation Standards - Updated. Collection method: curation. Allele origin: germline. Affected: no.
Comment: GAA c.1636+118G>T is an intronic variant located in intron 11. This variant is present at high allele frequency in population databases. We classify GAA c.1636+118G>T as a benign variant.

GeneDx
Classification: Benign. Last evaluated: 2018-06-26. Review status: criteria provided, single submitter. Criteria: GeneDx Variant Classification Process June 2021. Collection method: clinical testing. Allele origin: germline. Affected: yes.

Breakthrough Genomics
Classification: Benign. Review status: criteria provided, single submitter. Criteria: ACMG Guidelines, 2015. Collection method: not provided. Allele origin: germline. Inheritance: Autosomal recessive inheritance. Affected: yes.